The following is an entry in ClinVar:

NM_022367.4(SEMA4A):c.94G>T (p.Gly32Trp)

Gene: SEMA4A (semaphorin 4A; plus strand). Cytogenetic location: 1q22.
Variant type: single nucleotide variant.
Coding change: c.94G>T on transcript NM_022367.4 (MANE Select); coding-DNA position 94, G replaced by T.
Protein change: p.Gly32Trp; replaces glycine 32 with tryptophan.
Molecular consequence: missense variant. On other transcripts: 5 prime UTR variant (1), intron variant (3).
Genome position (GRCh38, 1-based): chr1:156,154,672, G>T. VCF-style: chr1-156154672-G-T. GRCh37 (hg19) VCF-style: chr1-156124463-G-T.
Other names: c.94G>T, p.Gly32Trp (NM_001193300.2, NM_001193301.2, NM_001370567.1); c.-431G>T (NM_001370571.1); c.-385-1742G>T (NM_001370569.1); c.-158-1742G>T (NM_001370568.1); c.-159+908G>T (NM_001193302.2); c.94G>T (NM_022367.3); short protein forms G32W.
Identifiers: ClinVar variation 2151300 (VCV002151300.7), dbSNP rs553165474, ClinGen allele CA1154902.

ClinVar aggregate classification (germline): Uncertain significance. Review status: criteria provided, multiple submitters, no conflicts (2 of 4 stars). 4 submissions from 3 submitters: Uncertain significance (4). Last evaluated 2025-11-05.

Conditions:
Retinitis pigmentosa 35 (RP35). Identifiers: Orphanet 791, MedGen C1853214, MONDO:0012463, OMIM 610282.
Cone-rod dystrophy 10 (CORD10). Identifiers: Orphanet 1872, MedGen C1846529, MONDO:0012464, OMIM 610283.

Allele frequency attached by ClinVar (database versions not stated): gnomAD exomes 0.00001; ExAC 0.00007; gnomAD 0.00009; TOPMed 0.00015; 1000 Genomes Project 30x 0.00016; 1000 Genomes Project 0.00020.
gnomAD v4.1: 26 of 1,599,928 alleles (0.0016%); highest among the groups gnomAD compares: African/African-American, 0.031%; no homozygotes.

Submissions (4):

Ambry Genetics
Classification: Uncertain significance. Last evaluated: 2025-11-05. Review status: criteria provided, single submitter. Criteria: Ambry Variant Classification Scheme 2023. Collection method: clinical testing. Allele origin: germline.

Genome-Nilou Lab
Classification: Uncertain significance for Cone-rod dystrophy 10. Last evaluated: 2023-04-11. Review status: criteria provided, single submitter. Criteria: ACMG Guidelines, 2015. Collection method: clinical testing. Allele origin: germline. Affected: no.

Genome-Nilou Lab
Classification: Uncertain significance for Retinitis pigmentosa 35. Last evaluated: 2023-04-11. Review status: criteria provided, single submitter. Criteria: ACMG Guidelines, 2015. Collection method: clinical testing. Allele origin: germline. Affected: no.

Labcorp Genetics (formerly Invitae), Labcorp
Classification: Uncertain significance. Last evaluated: 2022-09-13. Review status: criteria provided, single submitter. Criteria: Invitae Variant Classification Sherloc (09022015). Collection method: clinical testing. Allele origin: germline.
Comment: This sequence change replaces glycine, which is neutral and non-polar, with tryptophan, which is neutral and slightly polar, at codon 32 of the SEMA4A protein (p.Gly32Trp). This variant is present in population databases (rs553165474, gnomAD 0.02%). This variant has not been reported in the literature in individuals affected with SEMA4A-related conditions. Algorithms developed to predict the effect of missense changes on protein structure and function are either unavailable or do not agree on the potential impact of this missense change (SIFT: "Deleterious"; PolyPhen-2: "Possibly Damaging"; Align-GVGD: "Class C0"). In summary, the available evidence is currently insufficient to determine the role of this variant in disease. Therefore, it has been classified as a Variant of Uncertain Significance.